The following is an entry in ClinVar:

ClinVar aggregate classification (germline): Uncertain significance. Review status: criteria provided, multiple submitters, no conflicts (2 of 4 stars). 3 submissions from 3 submitters: Uncertain significance (3). Last evaluated 2026-06-29.

Conditions:
Hereditary cancer-predisposing syndrome. Also called: Hereditary Cancer Syndrome; Neoplastic Syndromes, Hereditary; Hereditary neoplastic syndrome; Tumor predisposition. Identifiers: Orphanet 140162, MedGen C0027672, MeSH D009386, MONDO:0015356.
Retinoblastoma (RB1). Also called: RETINOBLASTOMA, SOMATIC. Identifiers: Orphanet 790, MedGen C0035335, MeSH D012175, MONDO:0008380, OMIM 180200, HP:0009919. Disease mechanism: loss of function. Inheritance: Both sporadic and heritable forms are tested..
Malignant tumor of urinary bladder. Also called: Urinary bladder cancer; Bladder cancer; Urinary Bladder Neoplasms. Identifiers: MedGen C0005684, MONDO:0001187, OMIM 109800.

Submissions (3):

Ambry Genetics
Classification: Uncertain significance for Hereditary cancer-predisposing syndrome. Last evaluated: 2026-06-29. Review status: criteria provided, single submitter. Criteria: Ambry Variant Classification Scheme 2023. Collection method: clinical testing. Allele origin: germline.
Comment: The p.M916L variant (also known as c.2746A>C), located in coding exon 27 of the RB1 gene, results from an A to C substitution at nucleotide position 2746. The methionine at codon 916 is replaced by leucine, an amino acid with highly similar properties. This amino acid position is conserved. In addition, this alteration is predicted to be tolerated by in silico analysis. Based on the available evidence, the clinical significance of this variant remains unclear.

Baylor Genetics
Classification: Uncertain significance for Malignant tumor of urinary bladder. Last evaluated: 2023-07-06. Review status: criteria provided, single submitter. Criteria: ACMG Guidelines, 2015. Collection method: clinical testing. Allele origin: unknown.

Labcorp Genetics (formerly Invitae), Labcorp
Classification: Uncertain significance for Retinoblastoma. Last evaluated: 2022-10-26. Review status: criteria provided, single submitter. Criteria: Invitae Variant Classification Sherloc (09022015). Collection method: clinical testing. Allele origin: germline.
Comment: This variant is not present in population databases (gnomAD no frequency). In summary, the available evidence is currently insufficient to determine the role of this variant in disease. Therefore, it has been classified as a Variant of Uncertain Significance. Algorithms developed to predict the effect of missense changes on protein structure and function output the following: SIFT: "Tolerated"; PolyPhen-2: "Benign"; Align-GVGD: "Class C0". The leucine amino acid residue is found in multiple mammalian species, which suggests that this missense change does not adversely affect protein function. ClinVar contains an entry for this variant (Variation ID: 1411984). This variant has not been reported in the literature in individuals affected with RB1-related conditions. This sequence change replaces methionine, which is neutral and non-polar, with leucine, which is neutral and non-polar, at codon 916 of the RB1 protein (p.Met916Leu).

NM_000321.3(RB1):c.2746A>C (p.Met916Leu)

Gene: RB1 (RB transcriptional corepressor 1; plus strand). Cytogenetic location: 13q14.2.
Variant type: single nucleotide variant.
Coding change: c.2746A>C on transcript NM_000321.3 (MANE Select); coding-DNA position 2746, A replaced by C.
Protein change: p.Met916Leu; replaces methionine 916 with leucine.
Molecular consequence: missense variant.
Genome position (GRCh38, 1-based): chr13:48,480,030, A>C. VCF-style: chr13-48480030-A-C. GRCh37 (hg19) VCF-style: chr13-49054166-A-C.
Other names: c.2746A>C (NM_000321.2); short protein forms M916L.
Identifiers: ClinVar variation 1411984 (VCV001411984.8), dbSNP rs1949528459, ClinGen allele CA388158379.